The following is an entry in ClinVar:

NM_001970.5(EIF5A):c.344_345del (p.Pro115fs)

Gene: EIF5A (eukaryotic translation initiation factor 5A; plus strand). Cytogenetic location: 17p13.1.
Variant type: Deletion.
Coding change: c.344_345del on transcript NM_001970.5 (MANE Select); coding-DNA positions 344 to 345, 2 bases deleted (CT; older notation c.344_345delCT).
Protein change: p.Pro115fs; shifts the reading frame from proline 115.
Molecular consequence: frameshift variant.
Genome position (GRCh38, 1-based): chr17:7,311,423-7,311,424, CT deleted. VCF-style (leftmost placement, unchanged base first): chr17-7311422-CCT-C. GRCh37 (hg19) VCF-style: chr17-7214741-CCT-C.
Other names: c.434_435del, p.Pro145fs (NM_001143760.1); c.344_345del, p.Pro115fs (NM_001143761.1, NM_001143762.2, NM_001370420.1 and 1 more transcripts); short protein forms P115fs, P145fs.
Identifiers: ClinVar variation 3234785 (VCV003234785.20), dbSNP rs2508675963, ClinGen allele CA2825002556.

ClinVar aggregate classification (germline): Likely pathogenic (1 of 4 stars; one submission).

Submission:

CeGaT Center for Human Genetics Tuebingen
Classification: Likely pathogenic. Last evaluated: 2024-04-01. Review status: criteria provided, single submitter. Criteria: CeGaT Center For Human Genetics Tuebingen Variant Classification Criteria Version 2. Collection method: clinical testing. Allele origin: germline. Affected: yes. Observed: 1 variant allele.
Comment: EIF5A: PS2, PM2, PVS1:Supporting